The following continues an entry in ClinVar:

NM_000551.4(VHL):c.224TCT[1] (p.Phe76del)

Gene: VHL. ClinVar aggregate classification (germline): Pathogenic. Pathogenic (1).

Submissions 8 to 15 of 15:

Genetics and Molecular Pathology, SA Pathology
Classification: Likely pathogenic for Von Hippel-Lindau syndrome. Last evaluated: 2022-11-09. Review status: criteria provided, single submitter. Criteria: ACMG Guidelines, 2015. Collection method: clinical testing. Allele origin: germline. Inheritance: Autosomal dominant inheritance. Affected: yes. Not counted in ClinVar's aggregate classification.
Comment: The VHL c.227_229del variant is classified as Likely Pathogenic (PS4_Moderate, PM2, PM4, PM6, PP1, PP4) The VHL c.227_229del variant results in an inframe deletion in exon 1/3. This variant has been reported in 9 unrelated individuals with a clinical presentation of von Hippel-Lindau syndrome (PMID: 7987306, 27527340, 29616089, 32179488, 33720516) (PS4_Moderate). This variant is absent from population databases (PM2). This variant is predicted to alter the length of the protein produced by this gene due to an inframe deletion variant in a nonrepeat region (PM4). This variant has been identified as a de novo variant in at least one affected patient with no family history of this condition (PMID: 8641976, 23632291) (PM6). This variant is reported to co-segregate with disease in one family (PMID: 23143947) (PP1). The clinical features of this case are highly specific for the VHL gene (PP4). This variant is in dbSNP (rs5030648), has been reported as Pathogenic by other diagnostic laboratories (ClinVar Variation ID:223166) and has been reported as disease-causing in HGMD (CD941805).

PreventionGenetics, part of Exact Sciences
Classification: Pathogenic for VHL-related condition. Last evaluated: 2022-09-11. Review status: criteria provided, single submitter. Criteria: ACMG Guidelines, 2015. Collection method: clinical testing. Allele origin: germline. Not counted in ClinVar's aggregate classification.
Comment: The VHL c.227_229delTCT variant is predicted to result in an in-frame deletion (p.Phe76del). This variant has been previously reported in the heterozygous state in individuals or affected family members with Von Hippel-Lindau syndrome (see for example Hes et al. 2007. PubMed ID: 17661816; Ong et al. 2007. PubMed ID: 17024664, Supplementary Table S1; Nordstrom-O'Brien et al. 2010. PubMed ID: 20151405, Supplementary Table S1; Leonardi et al. 2011. PubMed ID: 21463266, Supplementary material; Wu et al. 2012. PubMed ID: 22357542; also reported with differences in the cDNA nomenclature in Wong et al. 2016. PubMed ID: 27527340; Pandit et al. 2016. PubMed ID: 27539324; Lomte et al. 2018. PubMed ID: 29124493). This variant has not been reported in a large population database, indicating this variant is rare. This variant is interpreted as pathogenic.

GeneDx
Classification: Pathogenic. Last evaluated: 2021-11-30. Review status: criteria provided, single submitter. Criteria: GeneDx Variant Classification Process June 2021. Collection method: clinical testing. Allele origin: germline. Affected: yes. Not counted in ClinVar's aggregate classification.
Comment: In-frame deletion of 1 amino acid in a non-repeat region in the critical beta sandwich region of the beta domain (Yuen 2009); Not observed in large population cohorts (Lek 2016); In silico analysis supports a deleterious effect on protein structure/function; Also known as c.440_442del, p.(F147del); p.(F117del); This variant is associated with the following publications: (PMID: 7987306, 20064270, 20567917, 12624160, 8730290, 8634692, 9829911, 29961792, 30072823, 31528828, 27682873, 28036268, 27539324, 27527340, 27439424, 12114495, 17661816, 18446368, 20151405, 22357542, 7728151, 7553625, 8956040, 9829912, 10631138, 8641976, 7977367, 23632291, 25867206, 23011899, 11331613, 29124493, 29616089, 29748190, 32179488, 33720516, 33107222, 32003155)

Laboratorio de Genetica e Diagnostico Molecular, Hospital Israelita Albert Einstein
Classification: Pathogenic for Von Hippel-Lindau syndrome. Last evaluated: 2021-07-13. Review status: criteria provided, single submitter. Criteria: ACMG Guidelines, 2015. Collection method: clinical testing. Allele origin: germline. Affected: yes. Not counted in ClinVar's aggregate classification.
Comment: ACMG classification criteria: PS4 strong, PM2 moderate, PM4 moderate, PM6 moderate, PP1 very strong

Department of Molecular Diagnostics, Institute of Oncology Ljubljana
Classification: Pathogenic for Von Hippel-Lindau syndrome. Last evaluated: 2020-04-02. Review status: criteria provided, single submitter. Criteria: ACMG Guidelines, 2015. Collection method: clinical testing. Allele origin: germline. Affected: yes. Not counted in ClinVar's aggregate classification.

Laboratory for Molecular Medicine, Mass General Brigham Personalized Medicine
Classification: Pathogenic for Von Hippel-Lindau syndrome. Last evaluated: 2019-12-03. Review status: criteria provided, single submitter. Criteria: LMM Criteria. Collection method: clinical testing. Allele origin: germline. Inheritance: Autosomal dominant inheritance. Observed: 2 variant alleles. Not counted in ClinVar's aggregate classification.
Comment: The p.Phe76del variant in VHL has been reported in >15 individuals with clinical features of Von Hippel-Lindau syndrome and segregated with disease in >5 affected individuals from several families (Crossey 1994, Cybulski 2002, Gomy 2010, Hes 2007, Jia 2013, Lee 2016, Nordstrom-Obrien 2010, Pandit 2016, Rasmussen 2010, Wang 2018, Wong 2016, Wu 2012, Zhang 2008). It was also identified as a de novo occurrence in 1 individual, though maternity and paternity were not confirmed (Jia 2013). This variant has also been reported by other clinical laboratories in ClinVar (Variation ID 223166) and was absent from large population studies. This variant is a deletion of 1 amino acid at position 76 and is not predicted to alter the protein reading-frame. In summary, this variant meets criteria to be classified as pathogenic for autosomal dominant Von Hippel- Lindau syndrome. ACMG/AMP criteria applied: PS4, PM2, PM6, PP1_Moderate, PM4_Supporting.

CIViC Knowledgebase, Washington University School of Medicine
Classification: Pathogenic for von Hippel-Lindau disease. Review status: criteria provided, single submitter. Criteria: Danos AM et al. (Genome Med 2019). Collection method: curation. Allele origin: germline. Not counted in ClinVar's aggregate classification.
Comment: The inframe variant, F76del, is pathogenic for Von Hippel-Lindau Disease. EID5682 shows a large family with the variant cosegregating with affected individuals (PP1). However, confirmed de novo mutations are also described EID5340 (PS2). Both are supported by several other reports with familial and sporadic VHL and this variant. This inframe deletion is not in a repetitive region (PM4) and absent from gnomAD v2.1 (PM2).

AID17

Genomic Diagnostic Laboratory, Division of Genomic Diagnostics, Children's Hospital of Philadelphia
Classification: Pathogenic for Von Hippel-Lindau syndrome. Last evaluated: 2016-02-26. Review status: no assertion criteria provided. Collection method: clinical testing. Allele origin: germline. Affected: yes. Observed: 21 variant alleles. Not counted in ClinVar's aggregate classification.

Literature cited by the submitters: PubMed 12114495 (cited by 6 submitters); PubMed 17661816 (cited by 6 submitters); PubMed 18446368 (cited by 5 submitters); PubMed 20064270 (cited by 5 submitters); PubMed 20151405 (cited by 5 submitters); PubMed 20567917 (cited by 5 submitters); PubMed 22357542 (cited by 3 submitters); PubMed 23632291 (cited by 6 submitters); PubMed 27439424 (cited by 4 submitters); PubMed 27527340 (cited by 4 submitters); PubMed 10631138 (cited by Ambry Genetics and Women's Health and Genetics/Laboratory Corporation of America, LabCorp); PubMed 12624160 (cited by 3 submitters); PubMed 23011899 (cited by Ambry Genetics and Laboratory for Molecular Medicine, Mass General Brigham Personalized Medicine); PubMed 27539324 (cited by 3 submitters); PubMed 29124493 (cited by Ambry Genetics); PubMed 29616089 (cited by 5 submitters); PubMed 7728151 (cited by Ambry Genetics and Women's Health and Genetics/Laboratory Corporation of America, LabCorp); PubMed 8956040 (cited by Ambry Genetics and Women's Health and Genetics/Laboratory Corporation of America, LabCorp); PubMed 9829911 (cited by Ambry Genetics and Women's Health and Genetics/Laboratory Corporation of America, LabCorp); PubMed 9829912 (cited by Ambry Genetics and Women's Health and Genetics/Laboratory Corporation of America, LabCorp); PubMed 16572651 (cited by Institute for Genomic Medicine (IGM) Clinical Laboratory, Nationwide Children's Hospital); PubMed 27439434 (cited by Institute for Genomic Medicine (IGM) Clinical Laboratory, Nationwide Children's Hospital); PubMed 7987306 (cited by 4 submitters); PubMed 12202531 (cited by Women's Health and Genetics/Laboratory Corporation of America, LabCorp); PubMed 15300849 (cited by Women's Health and Genetics/Laboratory Corporation of America, LabCorp); PubMed 10567493 (cited by Women's Health and Genetics/Laboratory Corporation of America, LabCorp); PubMed 8641976 (cited by 3 submitters); PubMed 7553625 (cited by Women's Health and Genetics/Laboratory Corporation of America, LabCorp); PubMed 11409863 (cited by Women's Health and Genetics/Laboratory Corporation of America, LabCorp and CIViC Knowledgebase, Washington University School of Medicine); PubMed 11114638 (cited by Women's Health and Genetics/Laboratory Corporation of America, LabCorp); PubMed 8730290 (cited by Women's Health and Genetics/Laboratory Corporation of America, LabCorp); PubMed 8589692 (cited by Women's Health and Genetics/Laboratory Corporation of America, LabCorp); PubMed 7977367 (cited by Women's Health and Genetics/Laboratory Corporation of America, LabCorp); PubMed 10761708 (cited by Women's Health and Genetics/Laboratory Corporation of America, LabCorp and CIViC Knowledgebase, Washington University School of Medicine); PubMed 18584357 (cited by Women's Health and Genetics/Laboratory Corporation of America, LabCorp); PubMed 23143947 (cited by Genetics and Molecular Pathology, SA Pathology and CIViC Knowledgebase, Washington University School of Medicine); PubMed 32179488 (cited by Genetics and Molecular Pathology, SA Pathology); PubMed 33720516 (cited by Genetics and Molecular Pathology, SA Pathology); PubMed 26763786 (cited by CIViC Knowledgebase, Washington University School of Medicine); PubMed 21463266 (cited by CIViC Knowledgebase, Washington University School of Medicine); PubMed 17024664 (cited by CIViC Knowledgebase, Washington University School of Medicine); PubMed 25078357 (cited by CIViC Knowledgebase, Washington University School of Medicine).